The following is an entry in ClinVar:

NM_003722.5(TP63):c.1769C>T (p.Pro590Leu)

Gene: TP63 (tumor protein p63; plus strand). Cytogenetic location: 3q28.
Variant type: single nucleotide variant.
Coding change: c.1769C>T on transcript NM_003722.5 (MANE Select); coding-DNA position 1769, C replaced by T.
Protein change: p.Pro590Leu; replaces proline 590 with leucine.
Molecular consequence: missense variant. On other transcripts: 3 prime UTR variant (2), synonymous variant (4).
Genome position (GRCh38, 1-based): chr3:189,894,228, C>T. VCF-style: chr3-189894228-C-T. GRCh37 (hg19) VCF-style: chr3-189612017-C-T.
Other names: c.1232C>T, p.Pro411Leu (NM_001329146.2); c.1757C>T, p.Pro586Leu (NM_001329148.2); c.*7C>T (NM_001114978.2, NM_001114981.2); c.1487C>T, p.Pro496Leu (NM_001114980.2); c.1530C>T, p.Pro510= (NM_001329144.2); c.1248C>T, p.Pro416= (NM_001329145.2); c.1769C>T (NM_003722.4); c.1236C>T, p.Pro412= (NM_001329149.2); and 2 more; short protein forms P411L, P586L, P590L, P496L, P588L.
Identifiers: ClinVar variation 1492561 (VCV001492561.10), dbSNP rs2108873027, ClinGen allele CA355751159.

ClinVar aggregate classification (germline): Likely pathogenic. Review status: criteria provided, multiple submitters, no conflicts (2 of 4 stars). 3 submissions from 3 submitters: Likely pathogenic (2). 1 of the submissions does not count toward it. Last evaluated 2023-04-18.

Conditions:
TP63-related disorder. Also called: TP63-related condition; TP63-Related Disorders. Identifiers: MedGen CN380159.
TP63-Related Spectrum Disorders.

Submissions (3):

GeneDx
Classification: Likely pathogenic. Last evaluated: 2023-04-18. Review status: criteria provided, single submitter. Criteria: GeneDx Variant Classification Process June 2021. Collection method: clinical testing. Allele origin: germline. Affected: yes.
Comment: This variant is associated with the following publications: (PMID: 19676060, 29339502, 11159940, 31050217)

Labcorp Genetics (formerly Invitae), Labcorp
Classification: Likely pathogenic. Last evaluated: 2020-11-05. Review status: criteria provided, single submitter. Criteria: Invitae Variant Classification Sherloc (09022015). Collection method: clinical testing. Allele origin: germline.
Comment: In summary, the currently available evidence indicates that the variant is pathogenic, but additional data are needed to prove that conclusively. Therefore, this variant has been classified as Likely Pathogenic. This variant disrupts the p.Pro590 amino acid residue in TP63. Other variant(s) that disrupt this residue have been observed in individuals with TP63-related conditions (PMID: 24898013), which suggests that this may be a clinically significant amino acid residue. This sequence change replaces proline with leucine at codon 590 of the TP63 protein (p.Pro590Leu). The proline residue is highly conserved and there is a moderate physicochemical difference between proline and leucine. This variant is not present in population databases (ExAC no frequency). This variant has been observed in individual(s) with TP63-related conditions (PMID: 19676060, 31050217, Invitae). In at least one individual the variant was observed to be de novo. This variant is also known as c.1652C>T (p.Pro551Leu). Algorithms developed to predict the effect of missense changes on protein structure and function are either unavailable or do not agree on the potential impact of this missense change (SIFT: "Deleterious"; PolyPhen-2: "Probably Damaging"; Align-GVGD: "Class C0").

PreventionGenetics, part of Exact Sciences
Classification: Likely pathogenic for TP63-related condition. Last evaluated: 2023-11-21. Review status: no assertion criteria provided. Collection method: clinical testing. Allele origin: germline. Not counted in ClinVar's aggregate classification.
Comment: The TP63 c.1769C>T variant is predicted to result in the amino acid substitution p.Pro590Leu. This variant has been reported in individuals with ankyloblepharon-ectodermal defects-cleft lip/palate syndrome (AEC) (Zheng et al. 2019. PubMed ID: 31050217; reported as c.1652C>T, p.Pro551Leu in Rinne et al. 2009. PubMed ID: 19676060). An alternative nucleotide change affecting the same amino acid (c.1769C>A, p.Pro590His) has also been reported in an individual with AEC syndrome (Hida et al. 2014. PubMed ID: 24898013). This variant has not been reported in a large population database, indicating this variant is rare. This variant is interpreted as likely pathogenic.

Literature cited by the submitters: PubMed 24898013 (cited by Labcorp Genetics (formerly Invitae), Labcorp); PubMed 19676060 (cited by Labcorp Genetics (formerly Invitae), Labcorp); PubMed 31050217 (cited by Labcorp Genetics (formerly Invitae), Labcorp).